The following is an entry in ClinVar:

NM_000310.4(PPT1):c.553T>C (p.Tyr185His)

Gene: PPT1 (palmitoyl-protein thioesterase 1; minus strand). Cytogenetic location: 1p34.2.
Variant type: single nucleotide variant.
Coding change: c.553T>C on transcript NM_000310.4 (MANE Select); coding-DNA position 553, T replaced by C.
Protein change: p.Tyr185His; replaces tyrosine 185 with histidine.
Molecular consequence: missense variant.
Genome position (GRCh38, 1-based): chr1:40,080,471, A>G on the plus strand (T>C on the coding strand, the complement: PPT1 is on the minus strand). VCF-style: chr1-40080471-A-G. GRCh37 (hg19) VCF-style: chr1-40546143-A-G.
Other names: c.244T>C, p.Tyr82His (NM_001142604.2); c.553T>C, p.Tyr185His (NM_001363695.2); short protein forms Y185H, Y82H.
Identifiers: ClinVar variation 1396426 (VCV001396426.6), dbSNP rs2124474563, ClinGen allele CA339847873.

ClinVar aggregate classification (germline): Uncertain significance (1 of 4 stars; one submission).

Conditions:
Neuronal ceroid lipofuscinosis 1 (CLN1). Also called: PPT1-Related Neuronal Ceroid-Lipofuscinosis; CEROID LIPOFUSCINOSIS, NEURONAL, 1, VARIABLE AGE AT ONSET. Identifiers: Orphanet 228329, MedGen C1850451, MONDO:0009744, OMIM 256730.

Submission:

Labcorp Genetics (formerly Invitae), Labcorp
Classification: Uncertain significance for Neuronal ceroid lipofuscinosis 1. Last evaluated: 2022-06-03. Review status: criteria provided, single submitter. Criteria: Invitae Variant Classification Sherloc (09022015). Collection method: clinical testing. Allele origin: germline.
Comment: In summary, the available evidence is currently insufficient to determine the role of this variant in disease. Therefore, it has been classified as a Variant of Uncertain Significance. Advanced modeling of protein sequence and biophysical properties (such as structural, functional, and spatial information, amino acid conservation, physicochemical variation, residue mobility, and thermodynamic stability) performed at Invitae indicates that this missense variant is expected to disrupt PPT1 protein function. ClinVar contains an entry for this variant (Variation ID: 1396426). This variant has not been reported in the literature in individuals affected with PPT1-related conditions. This variant is not present in population databases (gnomAD no frequency). This sequence change replaces tyrosine, which is neutral and polar, with histidine, which is basic and polar, at codon 185 of the PPT1 protein (p.Tyr185His).